The following is an entry in ClinVar:

NM_000263.4(NAGLU):c.701G>A (p.Arg234His)

Gene: NAGLU (N-acetyl-alpha-glucosaminidase; plus strand). Cytogenetic location: 17q21.2.
Variant type: single nucleotide variant.
Coding change: c.701G>A on transcript NM_000263.4 (MANE Select); coding-DNA position 701, G replaced by A.
Protein change: p.Arg234His; replaces arginine 234 with histidine.
Molecular consequence: missense variant.
Genome position (GRCh38, 1-based): chr17:42,538,692, G>A. VCF-style: chr17-42538692-G-A. GRCh37 (hg19) VCF-style: chr17-40690710-G-A.
Other names: short protein forms R234H.
Identifiers: ClinVar variation 640043 (VCV000640043.8), dbSNP rs886042073, ClinGen allele CA399598921.

ClinVar aggregate classification (germline): Likely pathogenic (1 of 4 stars; one submission).

Conditions:
Mucopolysaccharidosis, MPS-III-B (MPS3B). Also called: MPS III B; MUCOPOLYSACCHARIDOSIS, TYPE IIIB; N-ACETYL-ALPHA-D-GLUCOSAMINIDASE DEFICIENCY; NAGLU DEFICIENCY; SANFILIPPO SYNDROME B; Mucopolysaccharidosis type IIIB (Sanfilippo B). Identifiers: Orphanet 79270, MedGen C0086648, MONDO:0009656, OMIM 252920.
Charcot-Marie-Tooth disease axonal type 2V. Also called: CHARCOT-MARIE-TOOTH NEUROPATHY, TYPE 2V; CHARCOT-MARIE-TOOTH DISEASE, AXONAL, AUTOSOMAL DOMINANT, TYPE 2V. Identifiers: Orphanet 447964, MedGen C5569050, MONDO:0014665, OMIM 616491.

Allele frequency attached by ClinVar (database versions not stated): TOPMed below 0.00001; gnomAD 0.00001.

Submission:

Labcorp Genetics (formerly Invitae), Labcorp
Classification: Likely pathogenic for Charcot-Marie-Tooth disease axonal type 2V; Mucopolysaccharidosis, MPS-III-B. Last evaluated: 2025-09-02. Review status: criteria provided, single submitter. Criteria: Invitae Variant Classification Sherloc (09022015). Collection method: clinical testing. Allele origin: germline.
Comment: This sequence change replaces arginine, which is basic and polar, with histidine, which is basic and polar, at codon 234 of the NAGLU protein (p.Arg234His). This variant is present in population databases (no rsID available, gnomAD 0.007%). This variant has not been reported in the literature in individuals affected with NAGLU-related conditions. ClinVar contains an entry for this variant (Variation ID: 640043). Invitae Evidence Modeling of protein sequence and biophysical properties (such as structural, functional, and spatial information, amino acid conservation, physicochemical variation, residue mobility, and thermodynamic stability) indicates that this missense variant is expected to disrupt NAGLU protein function with a positive predictive value of 95%. This variant disrupts the p.Arg234 amino acid residue in NAGLU. Other variant(s) that disrupt this residue have been determined to be pathogenic (PMID: 9832037, 11286389, 18218046, 23380547). This suggests that this residue is clinically significant, and that variants that disrupt this residue are likely to be disease-causing. In summary, the currently available evidence indicates that the variant is pathogenic, but additional data are needed to prove that conclusively. Therefore, this variant has been classified as Likely Pathogenic.

Literature cited by the submitters: PubMed 9832037; PubMed 11286389; PubMed 18218046; PubMed 23380547.